The following is an entry in ClinVar:

ClinVar aggregate classification (germline): Uncertain significance. Review status: criteria provided, multiple submitters, no conflicts (2 of 4 stars). 2 submissions from 2 submitters: Uncertain significance (2). Last evaluated 2022-11-15.

Allele frequency attached by ClinVar (database versions not stated): gnomAD exomes below 0.00001; ExAC 0.00001; gnomAD 0.00001; 1000 Genomes Project 30x 0.00016; 1000 Genomes Project 0.00020.
gnomAD v4.1: 2 of 1,614,042 alleles (0.00012%); highest among the groups gnomAD compares: Admixed American, 0.0033%; no homozygotes.

Submissions (2):

GeneDx
Classification: Uncertain significance. Last evaluated: 2022-11-15. Review status: criteria provided, single submitter. Criteria: GeneDx Variant Classification Process June 2021. Collection method: clinical testing. Allele origin: germline. Affected: yes.
Comment: Not observed at a significant frequency in large population cohorts (gnomAD); In silico analysis supports that this missense variant has a deleterious effect on protein structure/function; Has not been previously published as pathogenic or benign to our knowledge

Revvity Omics, Revvity
Classification: Uncertain significance. Last evaluated: 2022-03-21. Review status: criteria provided, single submitter. Criteria: ACMG Guidelines, 2015. Collection method: clinical testing. Allele origin: germline.

NM_016194.4(GNB5):c.337T>C (p.Trp113Arg)

Gene: GNB5 (G protein subunit beta 5; minus strand). Cytogenetic location: 15q21.2.
Variant type: single nucleotide variant.
Coding change: c.337T>C on transcript NM_016194.4 (MANE Select); coding-DNA position 337, T replaced by C.
Protein change: p.Trp113Arg; replaces tryptophan 113 with arginine.
Molecular consequence: missense variant.
Genome position (GRCh38, 1-based): chr15:52,153,978, A>G on the plus strand (T>C on the coding strand, the complement: GNB5 is on the minus strand). VCF-style: chr15-52153978-A-G. GRCh37 (hg19) VCF-style: chr15-52446175-A-G.
Other names: c.55T>C, p.Trp19Arg (NM_001379343.1); c.211T>C, p.Trp71Arg (NM_006578.4); short protein forms W113R, W19R, W71R.
Identifiers: ClinVar variation 1800782 (VCV001800782.4), dbSNP rs527321236, ClinGen allele CA7565878.